The following is an entry in ClinVar:

NM_000400.4(ERCC2):c.1305C>G (p.Phe435Leu)

Gene: ERCC2 (ERCC excision repair 2, TFIIH core complex helicase subunit; minus strand). Cytogenetic location: 19q13.32.
Variant type: single nucleotide variant.
Coding change: c.1305C>G on transcript NM_000400.4 (MANE Select); coding-DNA position 1305, C replaced by G.
Protein change: p.Phe435Leu; replaces phenylalanine 435 with leucine.
Molecular consequence: missense variant.
Genome position (GRCh38, 1-based): chr19:45,357,632, G>C on the plus strand (C>G on the coding strand, the complement: ERCC2 is on the minus strand). VCF-style: chr19-45357632-G-C. GRCh37 (hg19) VCF-style: chr19-45860890-G-C.
Other names: short protein forms F435L.
Identifiers: ClinVar variation 2452335 (VCV002452335.2), dbSNP rs2514013857, ClinGen allele CA406367899.

ClinVar aggregate classification (germline): Uncertain significance (1 of 4 stars; one submission).

Conditions:
Inborn genetic diseases. Identifiers: MedGen C0950123, MeSH D030342.

Submission:

Ambry Genetics
Classification: Uncertain significance for Inborn genetic diseases. Last evaluated: 2022-11-03. Review status: criteria provided, single submitter. Criteria: Ambry Variant Classification Scheme 2023. Collection method: clinical testing. Allele origin: germline.
Comment: The p.F435L variant (also known as c.1305C>G), located in coding exon 13 of the ERCC2 gene, results from a C to G substitution at nucleotide position 1305. The phenylalanine at codon 435 is replaced by leucine, an amino acid with highly similar properties. This amino acid position is conserved. In addition, this alteration is predicted to be deleterious by in silico analysis. Since supporting evidence is limited at this time, the clinical significance of this alteration remains unclear.